The following is an entry in ClinVar:

NM_016065.4(MRPS16):c.14-6C>T

Genes: DNAJC9-AS1 (DNAJC9 and MRPS16 antisense RNA 1; plus strand), MRPS16 (mitochondrial ribosomal protein S16; minus strand). Cytogenetic location: 10q22.2.
Variant type: single nucleotide variant.
Coding change: c.14-6C>T on transcript NM_016065.4 (MANE Select); 6 bases into the intron before coding-DNA position 14, C replaced by T.
Molecular consequence: intron variant.
Genome position (GRCh38, 1-based): chr10:73,252,029, G>A on the plus strand (C>T on the coding strand, the complement: MRPS16 is on the minus strand). VCF-style: chr10-73252029-G-A. GRCh37 (hg19) VCF-style: chr10-75011787-G-A.
Other names: c.14-6C>T (NM_001410935.1).
Identifiers: ClinVar variation 2703632 (VCV002703632.3), dbSNP rs2493362314, ClinGen allele CA2574580736.

ClinVar aggregate classification (germline): Uncertain significance (1 of 4 stars; one submission).

Submission:

Labcorp Genetics (formerly Invitae), Labcorp
Classification: Uncertain significance. Last evaluated: 2023-06-09. Review status: criteria provided, single submitter. Criteria: Invitae Variant Classification Sherloc (09022015). Collection method: clinical testing. Allele origin: germline.
Comment: In summary, the available evidence is currently insufficient to determine the role of this variant in disease. Therefore, it has been classified as a Variant of Uncertain Significance. Algorithms developed to predict the effect of sequence changes on RNA splicing suggest that this variant may disrupt the consensus splice site. This variant has not been reported in the literature in individuals affected with MRPS16-related conditions. This variant is not present in population databases (gnomAD no frequency). This sequence change falls in intron 1 of the MRPS16 gene. It does not directly change the encoded amino acid sequence of the MRPS16 protein.